The following is an entry in ClinVar:

NM_004360.5(CDH1):c.2164+2dup

Gene: CDH1 (cadherin 1; plus strand). Cytogenetic location: 16q22.1.
Variant type: Duplication.
Coding change: c.2164+2dup on transcript NM_004360.5 (MANE Select); the canonical splice donor site of the intron after coding-DNA position 2164, one base duplicated (T; older notation c.2164+2dupT).
Molecular consequence: splice donor variant.
Genome position (GRCh38, 1-based): chr16:68,823,628, T duplicated. VCF-style (leftmost placement, unchanged base first): chr16-68823627-G-GT. GRCh37 (hg19) VCF-style: chr16-68857530-G-GT.
Other names: c.2164+2dup (LRG_301t1); c.616+2dup (NM_001317185.2); c.199+2dup (NM_001317186.2); c.1981+2dup (NM_001317184.2).
Identifiers: ClinVar variation 420613 (VCV000420613.2), dbSNP rs1555517160, ClinGen allele CA16620258.

ClinVar aggregate classification (germline): Uncertain significance. Review status: reviewed by expert panel (3 of 4 stars). 2 submissions from 2 submitters: Uncertain significance (1). 1 of the submissions does not count toward it. Last evaluated 2023-08-21.

Conditions:
CDH1-related diffuse gastric and lobular breast cancer syndrome. Also called: CDH1-related diffuse gastric and lobular breast cancer. Identifiers: MedGen CN311521, MONDO:0100488.

Submissions (2):

Clingen Gastric Cancer Variant Curation Expert Panel
Classification: Uncertain significance for CDH1-related diffuse gastric and lobular breast cancer syndrome. Last evaluated: 2023-08-21. Review status: reviewed by expert panel. Criteria: ClinGen CDH1 ACMG Specifications V3.1. Collection method: curation. Allele origin: germline. Inheritance: Autosomal dominant inheritance.
Comment: The c.2164+2dup variant actually affects +3 location and is not considered as a canonical splice site variant. This variant is absent in the gnomAD cohort (PM2_Supporting). This variant has been reported in at least one family meeting HDGC clinical criteria (PS4_Supporting; SCV000569527.3). Multiple splicing predictors indicate damaging changes (PP3). In summary, the clinical significance of this variant is uncertain. ACMG/AMP criteria applied, as specified by the CDH1 Variant Curation Expert Panel (Variant Interpretation Guidelines Version 3.1): PM2_Supporting, PS4_Supporting, PP3.

GeneDx
Classification: Uncertain significance. Last evaluated: 2016-03-01. Review status: criteria provided, single submitter. Criteria: GeneDx Variant Classification (06012015). Collection method: clinical testing. Allele origin: germline. Affected: yes. Not counted in ClinVar's aggregate classification.
Comment: This variant is denoted CDH1 c.2164+2dupT or IVS13+2dupT and consists of a duplication of one nucleotide at the +2 position in intron 13 of the CDH1 gene. The normal sequence with the base that is duplicated in braces is TAAg[t]aagt, where the capital letters are exonic and lowercase are intronic. Multiple in silico models predict this variant to destroy the nearby natural splice donor site, and to possibly cause abnormal gene splicing. However, in the absence of RNA or functional studies, the actual effect of this variant is unknown. CDH1 c.2164+2dupT was not observed in approximately 6,500 individuals of European and African American ancestry in the NHLBI Exome Sequencing Project, indicating it is not a common benign variant in these populations. This variant has not, to our knowledge, been published in the literature as pathogenic or benign. Based on the currently available information, we consider CDH1 c.2164+2dupT to be a variant of uncertain significance.